The following is an entry in ClinVar:

ClinVar aggregate classification (germline): Uncertain significance (1 of 4 stars; one submission).

Conditions:
Congenital sideroblastic anemia-B-cell immunodeficiency-periodic fever-developmental delay syndrome. Also called: Sideroblastic anemia with B-cell immunodeficiency, periodic fevers, and developmental delay. Identifiers: Orphanet 369861, MedGen C4015172, MONDO:0014487, OMIM 616084.

gnomAD v4.1: 84 of 1,613,998 alleles (0.0052%); highest among the groups gnomAD compares: South Asian, 0.086%; 2 homozygotes.

Submission:

Labcorp Genetics (formerly Invitae), Labcorp
Classification: Uncertain significance for Congenital sideroblastic anemia-B-cell immunodeficiency-periodic fever-developmental delay syndrome. Last evaluated: 2022-07-25. Review status: criteria provided, single submitter. Criteria: Invitae Variant Classification Sherloc (09022015). Collection method: clinical testing. Allele origin: germline.
Comment: This sequence change replaces glycine, which is neutral and non-polar, with aspartic acid, which is acidic and polar, at codon 229 of the TRNT1 protein (p.Gly229Asp). This variant is present in population databases (rs773514953, gnomAD 0.06%). This variant has not been reported in the literature in individuals affected with TRNT1-related conditions. ClinVar contains an entry for this variant (Variation ID: 1441095). Algorithms developed to predict the effect of missense changes on protein structure and function are either unavailable or do not agree on the potential impact of this missense change (SIFT: "Tolerated"; PolyPhen-2: "Probably Damaging"; Align-GVGD: "Class C0"). In summary, the available evidence is currently insufficient to determine the role of this variant in disease. Therefore, it has been classified as a Variant of Uncertain Significance.

NM_182916.3(TRNT1):c.686G>A (p.Gly229Asp)

Gene: TRNT1 (tRNA nucleotidyl transferase 1; plus strand). Cytogenetic location: 3p26.2.
Variant type: single nucleotide variant.
Coding change: c.686G>A on transcript NM_182916.3 (MANE Select); coding-DNA position 686, G replaced by A.
Protein change: p.Gly229Asp; replaces glycine 229 with aspartic acid.
Molecular consequence: missense variant. On other transcripts: non-coding transcript variant (6).
Genome position (GRCh38, 1-based): chr3:3,146,507, G>A. VCF-style: chr3-3146507-G-A. GRCh37 (hg19) VCF-style: chr3-3188191-G-A.
Other names: c.686G>A, p.Gly229Asp (NM_001302946.2, NM_001367321.1, NM_001367322.1 and 1 more transcripts); short protein forms G229D.
Identifiers: ClinVar variation 1441095 (VCV001441095.5), dbSNP rs773514953, ClinGen allele CA2228755.